The following is an entry in ClinVar:

NM_004187.5(KDM5C):c.1602G>C (p.Trp534Cys)

Gene: KDM5C (lysine demethylase 5C; minus strand). Cytogenetic location: Xp11.22.
Variant type: single nucleotide variant.
Coding change: c.1602G>C on transcript NM_004187.5 (MANE Select); coding-DNA position 1602, G replaced by C.
Protein change: p.Trp534Cys; replaces tryptophan 534 with cysteine.
Molecular consequence: missense variant. On other transcripts: non-coding transcript variant (3).
Genome position (GRCh38, 1-based): chrX:53,210,558, C>G on the plus strand (G>C on the coding strand, the complement: KDM5C is on the minus strand). VCF-style: chrX-53210558-C-G. GRCh37 (hg19) VCF-style: chrX-53239740-C-G.
Other names: c.1602G>C, p.Trp534Cys (NM_001353981.2, NM_001353984.2, NM_001353978.3); c.1599G>C, p.Trp533Cys (NM_001353982.2, NM_001282622.3, NM_001353979.2); c.1401G>C, p.Trp467Cys (NM_001146702.2); short protein forms W467C, W533C, W534C.
Identifiers: ClinVar variation 1320173 (VCV001320173.1), dbSNP rs2146914735, ClinGen allele CA413127921.
Genomic context (GRCh38, chrX:53,210,558, plus strand): 5'-AGGTGTCAGCTTCTTCATCACTTCTTCCAAATGTTCTGCTGCAAGTGAGGGCACCCCATA[C>G]CAGGTCTTCGGCTCACCCCTGCACAAGTGGAAAAGGGACACACACAGTAAATCACACCTT-3'
Protein context (NP_004178.2, residues 524-544): NYLHWGEPKT[Trp534Cys]YGVPSLAAEH

ClinVar aggregate classification (germline): Likely pathogenic (1 of 4 stars; one submission).

Conditions:
Intellectual developmental disorder, X-linked, syndromic, Claes-Jensen type. Also called: INTELLECTUAL DEVELOPMENTAL DISORDER, X-LINKED, SYNDROMIC 16; MENTAL RETARDATION, X-LINKED, SYNDROMIC 16; Syndromic X-linked intellectual disability Claes-Jensen type. Identifiers: Orphanet 85279, MedGen C1845243, MONDO:0010355, OMIM 300534.

Submission:

3billion
Classification: Likely pathogenic for Intellectual developmental disorder, X-linked, syndromic, Claes-Jensen type. Last evaluated: 2021-10-02. Review status: criteria provided, single submitter. Criteria: ACMG Guidelines, 2015. Collection method: clinical testing. Allele origin: maternal. Affected: yes. Observed: 1 hemizygote.
Comment: The missense variant is located in a mutational hot spot and/or well-established functional domain in which established pathogenic variants have been reported (PM1). It is not observed in the gnomAD v2.1.1 dataset (PM2). The variant has been reported to co-segregate with the disease in three similarly affected siblings in the same family (3billion dataset, PP1). In silico tool predictions suggest damaging effect of the variant on gene or gene product (REVEL: 0.923, 3Cnet: 0.990, PP3). Therefore, this variant is classified as likely pathogenic according to the recommendation of ACMG/AMP guideline.